The following is an entry in ClinVar:

ClinVar aggregate classification (germline): Uncertain significance. Review status: criteria provided, multiple submitters, no conflicts (2 of 4 stars). 3 submissions from 3 submitters: Uncertain significance (3). Last evaluated 2025-08-30.

Conditions:
Familial thoracic aortic aneurysm and aortic dissection (TAAD). Also called: Thoracic aortic aneurysms and dissections. Identifiers: Orphanet 91387, MedGen C4707243, MONDO:0019625.

Allele frequency attached by ClinVar (database versions not stated): ExAC 0.00001; gnomAD 0.00001; TOPMed 0.00002.

Submissions (3):

Color Diagnostics, LLC DBA Color Health
Classification: Uncertain significance for Familial thoracic aortic aneurysm and aortic dissection. Last evaluated: 2025-08-30. Review status: criteria provided, single submitter. Criteria: ACMG Guidelines, 2015. Collection method: clinical testing. Allele origin: germline.
Comment: This missense variant replaces aspartic acid with asparagine at codon 269 of the COL3A1 protein. Computational prediction suggests that this variant may not impact protein structure and function. To our knowledge, functional studies have not been reported for this variant. This variant has not been reported in individuals affected with COL3A1-related disorders in the literature. This variant has been identified in 2/251122 chromosomes in the general population by the Genome Aggregation Database (gnomAD). The available evidence is insufficient to determine the role of this variant in disease conclusively. Therefore, this variant is classified as a Variant of Uncertain Significance.

Women's Health and Genetics/Laboratory Corporation of America, LabCorp
Classification: Uncertain significance. Last evaluated: 2025-05-14. Review status: criteria provided, single submitter. Criteria: LabCorp Variant Classification Summary - May 2015. Collection method: clinical testing. Allele origin: germline.
Comment: Variant summary: COL3A1 c.805G>A (p.Asp269Asn) results in a conservative amino acid change in the encoded protein sequence. Algorithms developed to predict the effect of missense changes on protein structure and function are either unavailable or do not agree on the potential impact of this missense change. The variant allele was found at a frequency of 8e-06 in 251122 control chromosomes. The available data on variant occurrences in the general population are insufficient to allow any conclusion about variant significance. To our knowledge, no occurrence of c.805G>A in individuals affected with COL3A1-related conditions and no experimental evidence demonstrating its impact on protein function have been reported. ClinVar contains an entry for this variant (Variation ID: 1761842). Based on the evidence outlined above, the variant was classified as uncertain significance.

Ambry Genetics
Classification: Uncertain significance for Familial thoracic aortic aneurysm and aortic dissection. Last evaluated: 2021-09-24. Review status: criteria provided, single submitter. Criteria: Ambry Variant Classification Scheme 2023. Collection method: clinical testing. Allele origin: germline.
Comment: The p.D269N variant (also known as c.805G>A), located in coding exon 11 of the COL3A1 gene, results from a G to A substitution at nucleotide position 805. The aspartic acid at codon 269 is replaced by asparagine, an amino acid with highly similar properties. This amino acid position is highly conserved in available vertebrate species. In addition, this alteration is predicted to be tolerated by in silico analysis. Since supporting evidence is limited at this time, the clinical significance of this alteration remains unclear.

NM_000090.4(COL3A1):c.805G>A (p.Asp269Asn)

Gene: COL3A1 (collagen type III alpha 1 chain; plus strand). Cytogenetic location: 2q32.2.
Variant type: single nucleotide variant.
Coding change: c.805G>A on transcript NM_000090.4 (MANE Select); coding-DNA position 805, G replaced by A.
Protein change: p.Asp269Asn; replaces aspartic acid 269 with asparagine.
Molecular consequence: missense variant.
Genome position (GRCh38, 1-based): chr2:188,991,010, G>A. VCF-style: chr2-188991010-G-A. GRCh37 (hg19) VCF-style: chr2-189855736-G-A.
Other names: short protein forms D269N.
Identifiers: ClinVar variation 1761842 (VCV001761842.4), dbSNP rs762587276, ClinGen allele CA076963.